The following is an entry in ClinVar:

NM_000548.5(TSC2):c.5094C>A (p.Ser1698Arg)

Gene: TSC2 (TSC complex subunit 2; plus strand). Cytogenetic location: 16p13.3.
Variant type: single nucleotide variant.
Coding change: c.5094C>A on transcript NM_000548.5 (MANE Select); coding-DNA position 5094, C replaced by A.
Protein change: p.Ser1698Arg; replaces serine 1698 with arginine.
Molecular consequence: missense variant.
Genome position (GRCh38, 1-based): chr16:2,088,073, C>A. VCF-style: chr16-2088073-C-A. GRCh37 (hg19) VCF-style: chr16-2138074-C-A.
Other names: p.S1698R:AGC>AGA; c.5094C>A (NM_000548.4); c.4893C>A, p.Ser1631Arg (NM_001077183.3); c.5025C>A, p.Ser1675Arg (NM_001114382.3); c.4785C>A, p.Ser1595Arg (NM_001318827.2); c.4749C>A, p.Ser1583Arg (NM_001318829.2); c.4362C>A, p.Ser1454Arg (NM_001318831.2); c.4926C>A, p.Ser1642Arg (NM_001318832.2); and 3 more; short protein forms S1698R, S1595R, S1631R, S1632R, S1642R, S1654R, S1454R, S1655R.
Identifiers: ClinVar variation 49451 (VCV000049451.60), dbSNP rs45514196, ClinGen allele CA021705.

ClinVar aggregate classification (germline): Benign/Likely benign. Review status: criteria provided, multiple submitters, no conflicts (2 of 4 stars). 19 submissions from 19 submitters: Benign (10); Likely benign (6). 3 of the submissions do not count toward it. Last evaluated 2026-01-28.

Conditions:
TSC2-related disorder. Also called: TSC2-related condition; TSC2-Related Disorders.
Hereditary cancer-predisposing syndrome. Also called: Hereditary Cancer Syndrome; Tumor predisposition; Neoplastic Syndromes, Hereditary; Hereditary neoplastic syndrome. Identifiers: Orphanet 140162, MedGen C0027672, MeSH D009386, MONDO:0015356.
Tuberous sclerosis syndrome (TSC). Also called: Tuberous Sclerosis Complex; Tuberous sclerosis. Identifiers: Orphanet 805, MedGen C0041341, MONDO:0001734.
Tuberous sclerosis 2 (TSC2). Identifiers: Orphanet 805, MedGen C1860707, MONDO:0013199, OMIM 613254.

Allele frequency attached by ClinVar (database versions not stated): 1000 Genomes Project 30x 0.00078; 1000 Genomes Project 0.00080; ESP Exome Variant Server 0.00115; TOPMed 0.00129.
gnomAD v4.1: 301 of 1,612,828 alleles (0.019%); highest among the groups gnomAD compares: African/African-American, 0.35%; 2 homozygotes.

Submissions (19):

Labcorp Genetics (formerly Invitae), Labcorp
Classification: Benign for Tuberous sclerosis 2. Last evaluated: 2026-01-28. Review status: criteria provided, single submitter. Criteria: Invitae Variant Classification Sherloc (09022015). Collection method: clinical testing. Allele origin: germline.

Myriad Genetics, Inc.
Classification: Benign for Tuberous sclerosis 2. Last evaluated: 2024-09-05. Review status: criteria provided, single submitter. Criteria: Myriad Autosomal Dominant, Autosomal Recessive and X-Linked Classification Criteria (2023). Collection method: clinical testing. Allele origin: unknown.
Comment: This variant is considered benign. Homozygosity has been confirmed in one or more individuals. As homozygosity for pathogenic variants in this gene is generally assumed to result in embryonic lethality, this variant is unlikely to be pathogenic. This variant has been observed at a population frequency that is significantly greater than expected given the associated disease prevalence and penetrance.

Blueprint Genetics
Classification: Likely benign. Last evaluated: 2024-08-28. Review status: criteria provided, single submitter. Criteria: ACMG Guidelines, 2015. Collection method: clinical testing. Allele origin: germline.

ARUP Laboratories, Molecular Genetics and Genomics, ARUP Laboratories
Classification: Likely benign. Last evaluated: 2024-06-18. Review status: criteria provided, single submitter. Criteria: ARUP Molecular Germline Variant Investigation Process 2024. Collection method: clinical testing. Allele origin: germline.

CeGaT Center for Human Genetics Tuebingen
Classification: Likely benign. Last evaluated: 2024-05-01. Review status: criteria provided, single submitter. Criteria: CeGaT Center For Human Genetics Tuebingen Variant Classification Criteria Version 2. Collection method: clinical testing. Allele origin: germline. Affected: yes. Observed: 2 variant alleles.
Comment: TSC2: BS1

KCCC/NGS Laboratory, Kuwait Cancer Control Center
Classification: Benign for Tuberous sclerosis 2. Last evaluated: 2023-07-07. Review status: criteria provided, single submitter. Criteria: ACMG Guidelines, 2015. Collection method: clinical testing. Allele origin: germline. Affected: yes.

Color Diagnostics, LLC DBA Color Health
Classification: Benign for Tuberous sclerosis syndrome. Last evaluated: 2022-08-31. Review status: criteria provided, single submitter. Criteria: ACMG Guidelines, 2015. Collection method: clinical testing. Allele origin: germline.

Genome-Nilou Lab
Classification: Benign for Tuberous sclerosis 2. Last evaluated: 2021-11-07. Review status: criteria provided, single submitter. Criteria: ACMG Guidelines, 2015. Collection method: clinical testing. Allele origin: germline. Affected: no.

Sema4
Classification: Benign for Hereditary cancer-predisposing syndrome. Last evaluated: 2021-04-05. Review status: criteria provided, single submitter. Criteria: Sema4 Curation Guidelines. Collection method: curation. Allele origin: germline.

Athena Diagnostics
Classification: Benign. Last evaluated: 2020-08-13. Review status: criteria provided, single submitter. Criteria: Athena Diagnostics Criteria. Collection method: clinical testing. Allele origin: unknown.

Quest Diagnostics Nichols Institute San Juan Capistrano
Classification: Benign. Last evaluated: 2020-08-13. Review status: criteria provided, single submitter. Criteria: Quest Diagnostics criteria. Collection method: clinical testing. Allele origin: unknown.

Broad Center for Mendelian Genomics, Broad Institute of MIT and Harvard
Classification: Likely benign. Last evaluated: 2020-01-22. Review status: criteria provided, single submitter. Criteria: ACMG Guidelines, 2015. Collection method: curation. Allele origin: germline.
Comment: The p.Ser1698Arg variant in TSC2 has been reported in at least 2 individuals with tuberous sclerosis complex (PMID: 17304050), but has also been identified in at least 2 individuals from a healthy cohort (PMID: 24728327) and 0.3421% (85/24850) of African chromosomes, 0.01129% (4/35420) of Latino chromosomes, and 0.0007790% (1/128370) of European (non-Finnish) chromosomes by the Genome Aggregation Database (gnomAD; dbSNP rs45514196). This variant has been reported benign and likely benign in ClinVar (Variation ID: 49451). Computational prediction tools and conservation analyses do not provide strong support for or against an impact to the protein. One additional variant, resulting in a different amino acid change at the same position, p.Ser1698Thr, has been reported as a VUS in association with disease in ClinVar (Variation ID: 578397). At least 2 unaffected individuals with the variant have been reported in the literature (PMID: 24728327) and tuberous sclerosis complex is fully penetrant except in rare cases with mild mutations (PMID: 27226234), slightly increasing the likelihood that this variant is benign. In summary, although additional studies are required to fully establish its clinical significance, this variant is likely benign. ACMG/AMP Criteria applied: BS1, BS2_Supporting (Richards 2015).

Ambry Genetics
Classification: Likely benign for Hereditary cancer-predisposing syndrome. Last evaluated: 2019-01-24. Review status: criteria provided, single submitter. Criteria: Ambry Variant Classification Scheme 2023. Collection method: clinical testing. Allele origin: germline.

Illumina Laboratory Services, Illumina
Classification: Benign for Tuberous sclerosis syndrome. Last evaluated: 2018-01-13. Review status: criteria provided, single submitter. Criteria: ICSL Variant Classification Criteria 13 December 2019. Collection method: clinical testing. Allele origin: germline.
Comment: This variant was observed in the ICSL laboratory as part of a predisposition screen in an ostensibly healthy population. It had not been previously curated by ICSL or reported in the Human Gene Mutation Database (HGMD: prior to June 1st, 2018), and was therefore a candidate for classification through an automated scoring system. Utilizing variant allele frequency, disease prevalence and penetrance estimates, and inheritance mode, an automated score was calculated to assess if this variant is too frequent to cause the disease. Based on the score and internal cut-off values, a variant classified as benign is not then subjected to further curation. The score for this variant resulted in a classification of benign for this disease.

Eurofins Ntd Llc (ga)
Classification: Likely benign. Last evaluated: 2015-02-12. Review status: criteria provided, single submitter. Criteria: EGL Classification Definitions 2015. Collection method: clinical testing. Allele origin: germline. Observed: 1 variant allele, 1 heterozygote.

GeneDx
Classification: Benign. Last evaluated: 2013-09-11. Review status: criteria provided, single submitter. Criteria: GeneDx Variant Classification (06012015). Collection method: clinical testing. Allele origin: germline. Affected: yes.
Comment: This variant is considered likely benign or benign based on one or more of the following criteria: it is a conservative change, it occurs at a poorly conserved position in the protein, it is predicted to be benign by multiple in silico algorithms, and/or has population frequency not consistent with disease.

PreventionGenetics, part of Exact Sciences
Classification: Likely benign for TSC2-related condition. Last evaluated: 2019-12-16. Review status: no assertion criteria provided. Collection method: clinical testing. Allele origin: germline. Not counted in ClinVar's aggregate classification.
Comment: This variant is classified as likely benign based on ACMG/AMP sequence variant interpretation guidelines (Richards et al. 2015 PMID: 25741868, with internal and published modifications).

ITMI
No classification provided. Condition: AllHighlyPenetrant. Last evaluated: 2013-09-19. Review status: no classification provided. Collection method: reference population. Allele origin: germline. Not counted in ClinVar's aggregate classification.
Comment: Please see associated publication for description of ethnicities

Tuberous sclerosis database (TSC2)
No classification provided. Condition: TSC. Review status: no classification provided. Criteria: Tuberous Sclerosis Database Assertion Criteria 2015. Collection method: curation. Allele origin: germline. Affected: no. Not counted in ClinVar's aggregate classification.

Literature cited by the submitters: PubMed 17304050 (cited by 3 submitters); PubMed 24728327 (cited by 4 submitters).